The following is an entry in ClinVar:

NM_001165963.4(SCN1A):c.4316A>G (p.Tyr1439Cys)

Genes: SCN1A (sodium voltage-gated channel alpha subunit 1; minus strand), LOC102724058 (uncharacterized LOC102724058; plus strand). Cytogenetic location: 2q24.3.
Variant type: single nucleotide variant.
Coding change: c.4316A>G on transcript NM_001165963.4 (MANE Select); coding-DNA position 4316, A replaced by G.
Protein change: p.Tyr1439Cys; replaces tyrosine 1439 with cysteine.
Molecular consequence: missense variant. On other transcripts: non-coding transcript variant (1).
Genome position (GRCh38, 1-based): chr2:165,999,745, T>C on the plus strand (A>G on the coding strand, the complement: SCN1A is on the minus strand). VCF-style: chr2-165999745-T-C. GRCh37 (hg19) VCF-style: chr2-166856255-T-C.
Other names: c.4232A>G, p.Tyr1411Cys (NM_001165964.3, NM_001353957.2, NM_001353958.2); c.4316A>G, p.Tyr1439Cys (NM_001202435.3, NM_001353948.2); c.4283A>G, p.Tyr1428Cys (NM_001353949.2, NM_001353950.2, NM_001353951.2 and 2 more transcripts); c.4280A>G, p.Tyr1427Cys (NM_001353954.2, NM_001353955.2); c.4229A>G, p.Tyr1410Cys (NM_001353960.2); c.1874A>G, p.Tyr625Cys (NM_001353961.2); short protein forms Y1410C, Y1427C, Y1428C, Y625C, Y1439C, Y1411C.
Identifiers: ClinVar variation 850341 (VCV000850341.16), dbSNP rs1690577824, ClinGen allele CA349049574.

ClinVar aggregate classification (germline): Conflicting classifications of pathogenicity. Review status: criteria provided, conflicting classifications (1 of 4 stars). 2 submissions from 2 submitters: Likely pathogenic (1); Uncertain significance (1). Last evaluated 2025-11-01.

Conditions:
Early-infantile DEE. Also called: Early infantile epileptic encephalopathy; Ohtahara syndrome; Early infantile epileptic encephalopathy with suppression bursts. Identifiers: Orphanet 1934, MedGen C0393706, MONDO:0800491.

Submissions (2):

CeGaT Center for Human Genetics Tuebingen
Classification: Likely pathogenic. Last evaluated: 2025-11-01. Review status: criteria provided, single submitter. Criteria: CeGaT Center For Human Genetics Tuebingen Variant Classification Criteria Version 2. Collection method: clinical testing. Allele origin: germline. Affected: yes. Observed: 1 variant allele.
Comment: SCN1A: PM1, PM2, PM6:Supporting, PP2, PP3, PS4:Supporting

Labcorp Genetics (formerly Invitae), Labcorp
Classification: Uncertain significance for Early-infantile DEE. Last evaluated: 2019-12-12. Review status: criteria provided, single submitter. Criteria: Invitae Variant Classification Sherloc (09022015). Collection method: clinical testing. Allele origin: germline.
Comment: This sequence change replaces tyrosine with cysteine at codon 1439 of the SCN1A protein (p.Tyr1439Cys). The tyrosine residue is highly conserved and there is a large physicochemical difference between tyrosine and cysteine. In summary, the available evidence is currently insufficient to determine the role of this variant in disease. Therefore, it has been classified as a Variant of Uncertain Significance. Algorithms developed to predict the effect of missense changes on protein structure and function (SIFT, PolyPhen-2, Align-GVGD) all suggest that this variant is likely to be disruptive, but these predictions have not been confirmed by published functional studies and their clinical significance is uncertain. This variant has not been reported in the literature in individuals with SCN1A-related conditions. This variant is not present in population databases (ExAC no frequency).